The following is an entry in ClinVar:

ClinVar aggregate classification (germline): Pathogenic/Likely pathogenic. Review status: no assertion criteria provided (0 of 4 stars). 2 submissions from 2 submitters: Pathogenic (1); Likely pathogenic (1). Last evaluated 2018-09-10.

Conditions:
Hearing loss, autosomal recessive. Also called: Rare autosomal recessive non-syndromic sensorineural deafness type DFNB; Nonsyndromic Hearing Loss, Recessive; Deafness, autosomal recessive; Autosomal recessive nonsyndromic deafness. Identifiers: Orphanet 90635, Orphanet 90636, MedGen C1846647, MONDO:0019588, OMIM 607197.
Deafness. Identifiers: MedGen C0011053, HP:0000365.

Submissions (2):

Center for Statistical Genetics, Columbia University
Classification: Pathogenic for Deafness. Last evaluated: 2018-09-10. Review status: no assertion criteria provided. Collection method: research. Allele origin: inherited. Affected: yes.
Comment: Autosomal recessive

University of Washington Center for Mendelian Genomics, University of Washington
Classification: Likely pathogenic for non-syndromic autosomal recessive hearing loss. Review status: no assertion criteria provided. Collection method: research. Allele origin: inherited. Affected: yes.

Literature cited by the submitters: PubMed 30303587 (cited by University of Washington Center for Mendelian Genomics, University of Washington).

NM_000260.4(MYO7A):c.5326+3A>G

Gene: MYO7A (myosin VIIA; plus strand). Cytogenetic location: 11q13.5.
Variant type: single nucleotide variant.
Coding change: c.5326+3A>G on transcript NM_000260.4 (MANE Select); 3 bases into the intron after coding-DNA position 5326, A replaced by G.
Molecular consequence: intron variant.
Genome position (GRCh38, 1-based): chr11:77,203,220, A>G. VCF-style: chr11-77203220-A-G. GRCh37 (hg19) VCF-style: chr11-76914265-A-G.
Other names: c.5179+3A>G (NM_001369365.1); c.5212+3A>G (NM_001127180.2).
Identifiers: ClinVar variation 560895 (VCV000560895.2), dbSNP rs1565469959, ClinGen allele CA658822327.